The following is an entry in ClinVar:

NM_001037131.3(AGAP1):c.719T>C (p.Ile240Thr)

Gene: AGAP1 (ArfGAP with GTPase domain, ankyrin repeat and PH domain 1; plus strand). Cytogenetic location: 2q37.2.
Variant type: single nucleotide variant.
Coding change: c.719T>C on transcript NM_001037131.3 (MANE Select); coding-DNA position 719, T replaced by C.
Protein change: p.Ile240Thr; replaces isoleucine 240 with threonine.
Molecular consequence: missense variant.
Genome position (GRCh38, 1-based): chr2:235,797,804, T>C. VCF-style: chr2-235797804-T-C. GRCh37 (hg19) VCF-style: chr2-236706448-T-C.
Other names: c.719T>C, p.Ile240Thr (NM_001244888.2, NM_001412122.1, NM_014914.5); short protein forms I240T.
Identifiers: ClinVar variation 2786145 (VCV002786145.3), dbSNP rs752735364, ClinGen allele CA2184548.
Genomic context (GRCh38, chr2:235,797,804, plus strand): 5'-CTGTGTGTCCACCAGTTGCCCAGAAGATTGTTGCCACAAGGAAGAAGCAGCAGCTGTCCA[T>C]AGGACCCTGCAAGTCGCTACCTAATTCTCCCAGCCATTCCTCCGTCTGTTCCGCGCAGGT-3'
Protein context (NP_001032208.1, residues 230-250): VATRKKQQLS[Ile240Thr]GPCKSLPNSP

ClinVar aggregate classification (germline): Uncertain significance (1 of 4 stars; one submission).

Allele frequency attached by ClinVar (database versions not stated): gnomAD 0.00001; gnomAD exomes 0.00002; TOPMed 0.00002; ExAC 0.00003.
gnomAD v4.1: 29 of 1,614,072 alleles (0.0018%); highest among the groups gnomAD compares: African/African-American, 0.0027%; no homozygotes.

Submission:

Labcorp Genetics (formerly Invitae), Labcorp
Classification: Uncertain significance. Last evaluated: 2023-10-30. Review status: criteria provided, single submitter. Criteria: Invitae Variant Classification Sherloc (09022015). Collection method: clinical testing. Allele origin: germline.
Comment: This sequence change replaces isoleucine, which is neutral and non-polar, with threonine, which is neutral and polar, at codon 240 of the AGAP1 protein (p.Ile240Thr). This variant is present in population databases (rs752735364, gnomAD 0.004%). This variant has not been reported in the literature in individuals affected with AGAP1-related conditions. An algorithm developed to predict the effect of missense changes on protein structure and function (PolyPhen-2) suggests that this variant is likely to be disruptive. In summary, the available evidence is currently insufficient to determine the role of this variant in disease. Therefore, it has been classified as a Variant of Uncertain Significance.